The following is an entry in ClinVar:

ClinVar aggregate classification (germline): Uncertain significance. Review status: criteria provided, multiple submitters, no conflicts (2 of 4 stars). 2 submissions from 2 submitters: Uncertain significance (2). Last evaluated 2026-10-05.

Submissions (2):

GeneDx
Classification: Uncertain significance. Last evaluated: 2026-10-05. Review status: criteria provided, single submitter. Criteria: GeneDx Variant Classification Process June 2021. Collection method: clinical testing. Allele origin: germline.
Comment: Has not been previously published as pathogenic or benign to our knowledge; In silico analysis suggests that this missense variant does not alter protein structure/function; Not observed at significant frequency in large population cohorts (gnomAD)

Institute for Medical Genetics and Human Genetics, Charité - Universitätsmedizin Berlin
Classification: Uncertain significance. Review status: criteria provided, single submitter. Criteria: ACMG Guidelines, 2015. Collection method: not provided. Allele origin: germline. Affected: yes.

NM_005159.5(ACTC1):c.664G>T (p.Ala222Ser)

Genes: ACTC1 (actin alpha cardiac muscle 1; minus strand), GJD2-DT (GJD2 divergent transcript; plus strand). Cytogenetic location: 15q14.
Variant type: single nucleotide variant.
Coding change: c.664G>T on transcript NM_005159.5 (MANE Select); coding-DNA position 664, G replaced by T.
Protein change: p.Ala222Ser; replaces alanine 222 with serine.
Molecular consequence: missense variant.
Genome position (GRCh38, 1-based): chr15:34,792,234, C>A on the plus strand (G>T on the coding strand, the complement: ACTC1 is on the minus strand). VCF-style: chr15-34792234-C-A. GRCh37 (hg19) VCF-style: chr15-35084435-C-A.
Other names: short protein forms A222S.
Identifiers: ClinVar variation 1307279 (VCV001307279.5), dbSNP rs1555418793, ClinGen allele CA391630641.